The following is an entry in ClinVar:

ClinVar aggregate classification (germline): Pathogenic. Review status: criteria provided, multiple submitters, no conflicts (2 of 4 stars). 2 submissions from 2 submitters: Pathogenic (2). Last evaluated 2022-11-29.

Conditions:
Methylmalonic aciduria due to methylmalonyl-CoA mutase deficiency (MAMM). Also called: Methylmalonic aciduria, mut type. Identifiers: Orphanet 27, MedGen C1855114, MONDO:0009612, OMIM 251000.

Submissions (2):

Labcorp Genetics (formerly Invitae), Labcorp
Classification: Pathogenic. Last evaluated: 2022-11-29. Review status: criteria provided, single submitter. Criteria: Invitae Variant Classification Sherloc (09022015). Collection method: clinical testing. Allele origin: germline.
Comment: Advanced modeling of protein sequence and biophysical properties (such as structural, functional, and spatial information, amino acid conservation, physicochemical variation, residue mobility, and thermodynamic stability) performed at Invitae indicates that this missense variant is expected to disrupt MUT protein function. For these reasons, this variant has been classified as Pathogenic. This variant disrupts the p.Gly284 amino acid residue in MUT. Other variant(s) that disrupt this residue have been observed in individuals with MUT-related conditions (PMID: 27167370), which suggests that this may be a clinically significant amino acid residue. ClinVar contains an entry for this variant (Variation ID: 222922). This missense change has been observed in individual(s) with methylmalonic aciduria (PMID: 27167370, 32754920). This variant is not present in population databases (gnomAD no frequency). This sequence change replaces glycine, which is neutral and non-polar, with arginine, which is basic and polar, at codon 284 of the MUT protein (p.Gly284Arg).

University Children's Hospital, University of Zurich
Classification: Pathogenic for Methylmalonic aciduria due to methylmalonyl-CoA mutase deficiency. Review status: criteria provided, single submitter. Criteria: Forny et al. (Hum Mutat. 2016). Collection method: clinical testing. Allele origin: germline. Inheritance: Autosomal recessive inheritance. Affected: yes.

Literature cited by the submitters: PubMed 27167370 (cited by Labcorp Genetics (formerly Invitae), Labcorp); PubMed 32754920 (cited by Labcorp Genetics (formerly Invitae), Labcorp); PubMed 25736335 (cited by University Children's Hospital, University of Zurich).

NM_000255.4(MMUT):c.850G>A (p.Gly284Arg)

Gene: MMUT (methylmalonyl-CoA mutase; minus strand). Cytogenetic location: 6p12.3.
Variant type: single nucleotide variant.
Coding change: c.850G>A on transcript NM_000255.4 (MANE Select); coding-DNA position 850, G replaced by A.
Protein change: p.Gly284Arg; replaces glycine 284 with arginine.
Molecular consequence: missense variant.
Genome position (GRCh38, 1-based): chr6:49,456,141, C>T on the plus strand (G>A on the coding strand, the complement: MMUT is on the minus strand). VCF-style: chr6-49456141-C-T. GRCh37 (hg19) VCF-style: chr6-49423854-C-T.
Other names: short protein forms G284R.
Identifiers: ClinVar variation 222922 (VCV000222922.7), dbSNP rs761477436, ClinGen allele CA10575875.